The following is an entry in ClinVar:

ClinVar aggregate classification (germline): Uncertain significance (0 of 4 stars; one submission).

Conditions:
Palatal anomalies-widely spaced teeth-facial dysmorphism-developmental delay syndrome. Also called: Cleft palate, psychomotor retardation, and distinctive facial features. Identifiers: Orphanet 477993, MedGen C4225229, MONDO:0014751, OMIM 616728.

gnomAD v4.1: 1 of 1,613,118 alleles (0.000062%); highest among the groups gnomAD compares: Non-Finnish European, 0.000085%; no homozygotes.

Submission:

Diagnostics Centre, Carl Von Ossietzky University Oldenburg
Classification: Uncertain significance for Palatal anomalies-widely spaced teeth-facial dysmorphism-developmental delay syndrome. Last evaluated: 2025-01-21. Review status: no assertion criteria provided. Collection method: clinical testing. Allele origin: germline. Affected: yes. Observed: 1 variant allele.
Comment: The variant KDM1A:c.1844G>A p.(Arg615Gln) which is located in the coding exon 16 of the KDM1A gene, results from a guanine to adenine substitution at nucleotide position c.1884. The arginine at protein position 615 is replaced by a glutamic acid. Missense variants in this gene or the affected region are a known disease mechanism and are rare in the general population. The affected protein region has significant levels of missense constrain. The affected position is located in the aminooxidase domain of the protein. In silico tools predict a deleterious effect in the protein structure/function (REVEL = 0,786). The variant has not yet been described in ClinVar or any other scientific publication known to us. This variant is classified as rare in the overall population (MAF 6.8 * e-7 in gnomAD). In summary, this variant is classified as a variant of unclear significance.

NM_001009999.3(KDM1A):c.1844G>A (p.Arg615Gln)

Gene: KDM1A (lysine demethylase 1A; plus strand). Cytogenetic location: 1p36.12.
Variant type: single nucleotide variant.
Coding change: c.1844G>A on transcript NM_001009999.3 (MANE Select); coding-DNA position 1844, G replaced by A.
Protein change: p.Arg615Gln; replaces arginine 615 with glutamine.
Molecular consequence: missense variant.
Genome position (GRCh38, 1-based): chr1:23,077,337, G>A. VCF-style: chr1-23077337-G-A. GRCh37 (hg19) VCF-style: chr1-23403830-G-A.
Other names: c.1790G>A, p.Arg597Gln (NM_001363654.2); c.1850G>A, p.Arg617Gln (NM_001410762.1); c.1772G>A, p.Arg591Gln (NM_001410763.1, NM_015013.4); short protein forms R591Q, R597Q, R615Q, R617Q.
Identifiers: ClinVar variation 4530638 (VCV004530638.1), dbSNP rs1385309917.